The following is an entry in ClinVar:

NM_006517.5(SLC16A2):c.1430A>G (p.His477Arg)

Gene: SLC16A2 (solute carrier family 16 member 2; plus strand). Cytogenetic location: Xq13.2.
Variant type: single nucleotide variant.
Coding change: c.1430A>G on transcript NM_006517.5 (MANE Select); coding-DNA position 1430, A replaced by G.
Protein change: p.His477Arg; replaces histidine 477 with arginine.
Molecular consequence: missense variant.
Genome position (GRCh38, 1-based): chrX:74,531,363, A>G. VCF-style: chrX-74531363-A-G. GRCh37 (hg19) VCF-style: chrX-73751198-A-G.
Other names: c.1652A>G (NM_006517.3); short protein forms H477R.
Identifiers: ClinVar variation 1344031 (VCV001344031.29), dbSNP rs754443385, ClinGen allele CA10454536.

ClinVar aggregate classification (germline): Likely benign. Review status: criteria provided, multiple submitters, no conflicts (2 of 4 stars). 3 submissions from 3 submitters: Likely benign (3). Last evaluated 2025-04-01.

Conditions:
Inborn genetic diseases. Identifiers: MedGen C0950123, MeSH D030342.
Hereditary spastic paraplegia. Also called: Familial spastic paraparesis. Identifiers: Orphanet 685, MedGen C0037773, MONDO:0019064. Disease mechanism: loss of function.

Allele frequency attached by ClinVar (database versions not stated): ExAC 0.00002; gnomAD exomes 0.00002 and 0.00004.
gnomAD v4.1: 26 of 1,211,831 alleles (0.0021%); highest among the groups gnomAD compares: South Asian, 0.046%; no homozygotes.

Submissions (3):

CeGaT Center for Human Genetics Tuebingen
Classification: Likely benign. Last evaluated: 2025-04-01. Review status: criteria provided, single submitter. Criteria: CeGaT Center For Human Genetics Tuebingen Variant Classification Criteria Version 2. Collection method: clinical testing. Allele origin: germline. Affected: yes. Observed: 2 variant alleles.
Comment: SLC16A2: BS2

Ambry Genetics
Classification: Likely benign for Inborn genetic diseases. Last evaluated: 2021-09-30. Review status: criteria provided, single submitter. Criteria: Ambry Variant Classification Scheme 2023. Collection method: clinical testing. Allele origin: germline.

Genome Diagnostics Laboratory, The Hospital for Sick Children
Classification: Likely benign for Hereditary spastic paraplegia. Last evaluated: 2018-05-01. Review status: criteria provided, single submitter. Criteria: ACMG Guidelines, 2015. Collection method: clinical testing. Allele origin: germline. Affected: yes.